The following is an entry in ClinVar:

ClinVar aggregate classification (germline): Pathogenic (1 of 4 stars; one submission).

Conditions:
Spastic paraplegia. Identifiers: MedGen C0037772, HP:0001258.

Submission:

Labcorp Genetics (formerly Invitae), Labcorp
Classification: Pathogenic for Spastic paraplegia. Last evaluated: 2023-01-20. Review status: criteria provided, single submitter. Criteria: Invitae Variant Classification Sherloc (09022015). Collection method: clinical testing. Allele origin: germline.
Comment: This variant has not been reported in the literature in individuals affected with ZFYVE26-related conditions. For these reasons, this variant has been classified as Pathogenic. This variant is not present in population databases (gnomAD no frequency). This sequence change creates a premature translational stop signal (p.His1957Profs*23) in the ZFYVE26 gene. It is expected to result in an absent or disrupted protein product. Loss-of-function variants in ZFYVE26 are known to be pathogenic (PMID: 18394578, 19805727).

Literature cited by the submitters: PubMed 18394578; PubMed 19805727.

NM_015346.4(ZFYVE26):c.5870del (p.His1957fs)

Gene: ZFYVE26 (zinc finger FYVE-type containing 26; minus strand). Cytogenetic location: 14q24.1.
Variant type: Deletion.
Coding change: c.5870del on transcript NM_015346.4 (MANE Select); coding-DNA position 5870, one base deleted (A; older notation c.5870delA).
Protein change: p.His1957fs; shifts the reading frame from histidine 1957.
Molecular consequence: frameshift variant.
Genome position (GRCh38, 1-based): chr14:67,766,368, T deleted on the plus strand (A on the coding strand, the reverse complement: ZFYVE26 is on the minus strand). VCF-style (leftmost placement, unchanged base first): chr14-67766367-GT-G. GRCh37 (hg19) VCF-style: chr14-68233084-GT-G.
Other names: short protein forms H1957fs.
Identifiers: ClinVar variation 2830372 (VCV002830372.3), dbSNP rs2502756304, ClinGen allele CA2739279816.